The following is an entry in ClinVar:

ClinVar aggregate classification (germline): Uncertain significance (1 of 4 stars; one submission).

Conditions:
Retinitis pigmentosa 20 (RP20). Identifiers: Orphanet 791, MedGen C3151086, MONDO:0013425, OMIM 613794.
Leber congenital amaurosis 2 (LCA2). Also called: Autosomal Recessive RPE65-Related Retinal Degeneration; AMAUROSIS CONGENITA OF LEBER II. Identifiers: Orphanet 65, MedGen C1859844, MONDO:0008765, OMIM 204100. Disease mechanism: loss of function.

Submission:

Labcorp Genetics (formerly Invitae), Labcorp
Classification: Uncertain significance for Leber congenital amaurosis 2; Retinitis pigmentosa 20. Last evaluated: 2025-03-17. Review status: criteria provided, single submitter. Criteria: Invitae Variant Classification Sherloc (09022015). Collection method: clinical testing. Allele origin: germline.
Comment: This sequence change replaces serine, which is neutral and polar, with asparagine, which is neutral and polar, at codon 511 of the RPE65 protein (p.Ser511Asn). This variant is not present in population databases (gnomAD no frequency). This variant has not been reported in the literature in individuals affected with RPE65-related conditions. ClinVar contains an entry for this variant (Variation ID: 1003017). Invitae Evidence Modeling of protein sequence and biophysical properties (such as structural, functional, and spatial information, amino acid conservation, physicochemical variation, residue mobility, and thermodynamic stability) indicates that this missense variant is not expected to disrupt RPE65 protein function with a negative predictive value of 80%. In summary, the available evidence is currently insufficient to determine the role of this variant in disease. Therefore, it has been classified as a Variant of Uncertain Significance.

NM_000329.3(RPE65):c.1532G>A (p.Ser511Asn)

Gene: RPE65 (retinoid isomerohydrolase RPE65; minus strand). Cytogenetic location: 1p31.3.
Variant type: single nucleotide variant.
Coding change: c.1532G>A on transcript NM_000329.3 (MANE Select); coding-DNA position 1532, G replaced by A.
Protein change: p.Ser511Asn; replaces serine 511 with asparagine.
Molecular consequence: missense variant.
Genome position (GRCh38, 1-based): chr1:68,429,846, C>T on the plus strand (G>A on the coding strand, the complement: RPE65 is on the minus strand). VCF-style: chr1-68429846-C-T. GRCh37 (hg19) VCF-style: chr1-68895529-C-T.
Other names: short protein forms S511N.
Identifiers: ClinVar variation 1003017 (VCV001003017.8), dbSNP rs1645807408, ClinGen allele CA340741093.
Genomic context (GRCh38, chr1:68,429,846, plus strand): 5'-TTGAACAGTCCATGAAAGGTGACAGGGATGTTAATCTCCACTTCAGCCCGGGCAACTTCA[C>T]TTAAGTCCTTGGCATTCAGAATCAGGAGATAAGCAGGCTTTTGTCCTGCTCCTGGGCTCA-3'
Protein context (NP_000320.1, residues 501-521): YLLILNAKDL[Ser511Asn]EVARAEVEIN